The following is an entry in ClinVar:

ClinVar aggregate classification (germline): Uncertain significance (1 of 4 stars; one submission).

Conditions:
Hereditary cancer-predisposing syndrome. Also called: Neoplastic Syndromes, Hereditary; Hereditary Cancer Syndrome; Hereditary neoplastic syndrome; Tumor predisposition. Identifiers: Orphanet 140162, MedGen C0027672, MeSH D009386, MONDO:0015356.

Submission:

Ambry Genetics
Classification: Uncertain significance for Hereditary cancer-predisposing syndrome. Last evaluated: 2023-05-11. Review status: criteria provided, single submitter. Criteria: Ambry Variant Classification Scheme 2023. Collection method: clinical testing. Allele origin: germline.
Comment: The p.L667V variant (also known as c.1999T>G), located in coding exon 14 of the MSH3 gene, results from a T to G substitution at nucleotide position 1999. The leucine at codon 667 is replaced by valine, an amino acid with highly similar properties. This amino acid position is conserved. In addition, the in silico prediction for this alteration is inconclusive. Since supporting evidence is limited at this time, the clinical significance of this alteration remains unclear.

NM_002439.5(MSH3):c.1999T>G (p.Leu667Val)

Gene: MSH3 (mutS homolog 3; plus strand). Cytogenetic location: 5q14.1.
Variant type: single nucleotide variant.
Coding change: c.1999T>G on transcript NM_002439.5 (MANE Select); coding-DNA position 1999, T replaced by G.
Protein change: p.Leu667Val; replaces leucine 667 with valine.
Molecular consequence: missense variant.
Genome position (GRCh38, 1-based): chr5:80,768,035, T>G. VCF-style: chr5-80768035-T-G. GRCh37 (hg19) VCF-style: chr5-80063854-T-G.
Other names: short protein forms L667V.
Identifiers: ClinVar variation 2565656 (VCV002565656.2), dbSNP rs2546773647, ClinGen allele CA360277699.